The following is an entry in ClinVar:

ClinVar aggregate classification (germline): Likely benign (1 of 4 stars; one submission).

Conditions:
RAI1-related disorder. Also called: RAI1-related condition.

gnomAD v4.1: 1 of 1,612,844 alleles (0.000062%); highest among the groups gnomAD compares: Admixed American, 0.0017%; no homozygotes.

Submission:

PreventionGenetics, part of Exact Sciences
Classification: Likely benign for RAI1-related condition. Last evaluated: 2025-09-29. Review status: criteria provided, single submitter. Criteria: ACMG Guidelines, 2015. Collection method: clinical testing. Allele origin: germline.
Comment: This variant is classified as likely benign based on ACMG/AMP sequence variant interpretation guidelines (Richards et al. 2015 PMID: 25741868, with internal and published modifications).

NM_030665.4(RAI1):c.1489C>T (p.Leu497=)

Gene: RAI1 (retinoic acid induced 1; plus strand). Cytogenetic location: 17p11.2.
Variant type: single nucleotide variant.
Coding change: c.1489C>T on transcript NM_030665.4 (MANE Select); coding-DNA position 1489, C replaced by T.
Protein change: p.Leu497=; no amino-acid change (leucine 497 retained).
Molecular consequence: synonymous variant.
Genome position (GRCh38, 1-based): chr17:17,794,437, C>T. VCF-style: chr17-17794437-C-T. GRCh37 (hg19) VCF-style: chr17-17697751-C-T.
Identifiers: ClinVar variation 4996715 (VCV004996715.1).
Genomic context (GRCh38, chr17:17,794,437, plus strand): 5'-AAAAGCCAGCACTGCAGCCCCGAAGGGAGCGGCTACTCAGCCGAGCCCGCAGGCACACCG[C>T]TGTCAGAGCCGCCGAGCAGCACGCCACAGTCCACGCATGCGGAGCCGCAGGAGGCCGACT-3'
Protein context (NP_109590.3, residues 487-507): GYSAEPAGTP[Leu497=]SEPPSSTPQS